The following is an entry in ClinVar:

ClinVar aggregate classification (germline): Uncertain significance. Review status: criteria provided, multiple submitters, no conflicts (2 of 4 stars). 3 submissions from 3 submitters: Uncertain significance (2). 1 of the submissions does not count toward it. Last evaluated 2025-06-18.

Conditions:
Colorectal cancer. Also called: Malignant Colorectal Neoplasm; Colorectal cancer, somatic. Identifiers: MedGen C0346629, MONDO:0005575, OMIM 114500.
Hereditary cancer-predisposing syndrome. Also called: Hereditary neoplastic syndrome; Tumor predisposition; Neoplastic Syndromes, Hereditary; Hereditary Cancer Syndrome. Identifiers: Orphanet 140162, MedGen C0027672, MeSH D009386, MONDO:0015356.

Submissions (3):

Labcorp Genetics (formerly Invitae), Labcorp
Classification: Uncertain significance. Last evaluated: 2025-06-18. Review status: criteria provided, single submitter. Criteria: Invitae Variant Classification Sherloc (09022015). Collection method: clinical testing. Allele origin: germline.
Comment: This sequence change replaces lysine, which is basic and polar, with glutamic acid, which is acidic and polar, at codon 533 of the CTNNA1 protein (p.Lys533Glu). This variant is not present in population databases (gnomAD no frequency). This variant has not been reported in the literature in individuals affected with CTNNA1-related conditions. ClinVar contains an entry for this variant (Variation ID: 1700595). Invitae Evidence Modeling of protein sequence and biophysical properties (such as structural, functional, and spatial information, amino acid conservation, physicochemical variation, residue mobility, and thermodynamic stability) indicates that this missense variant is not expected to disrupt CTNNA1 protein function with a negative predictive value of 80%. In summary, the available evidence is currently insufficient to determine the role of this variant in disease. Therefore, it has been classified as a Variant of Uncertain Significance.

Ambry Genetics
Classification: Uncertain significance for Hereditary cancer-predisposing syndrome. Last evaluated: 2024-08-29. Review status: criteria provided, single submitter. Criteria: Ambry Variant Classification Scheme 2023. Collection method: clinical testing. Allele origin: germline.
Comment: The p.K533E variant (also known as c.1597A>G), located in coding exon 11 of the CTNNA1 gene, results from an A to G substitution at nucleotide position 1597. The lysine at codon 533 is replaced by glutamic acid, an amino acid with similar properties. This amino acid position is well conserved in available vertebrate species. In addition, the in silico prediction for this alteration is inconclusive. The evidence for this gene-disease relationship is limited; therefore, the clinical significance of this alteration is unclear.

Genomic Center, National Cancer Institute
Classification: Uncertain significance for Colorectal cancer. Review status: no assertion criteria provided. Collection method: case-control. Allele origin: germline. Affected: yes. Not counted in ClinVar's aggregate classification.

NM_001903.5(CTNNA1):c.1597A>G (p.Lys533Glu)

Gene: CTNNA1 (catenin alpha 1; plus strand). Cytogenetic location: 5q31.2.
Variant type: single nucleotide variant.
Coding change: c.1597A>G on transcript NM_001903.5 (MANE Select); coding-DNA position 1597, A replaced by G.
Protein change: p.Lys533Glu; replaces lysine 533 with glutamic acid.
Molecular consequence: missense variant.
Genome position (GRCh38, 1-based): chr5:138,924,560, A>G. VCF-style: chr5-138924560-A-G. GRCh37 (hg19) VCF-style: chr5-138260249-A-G.
Other names: c.1597A>G, p.Lys533Glu (NM_001290307.3, NM_001323982.2, NM_001323983.1 and 2 more transcripts); c.1288A>G, p.Lys430Glu (NM_001290309.3); c.1228A>G, p.Lys410Glu (NM_001290310.3); c.487A>G, p.Lys163Glu (NM_001290312.1, NM_001323987.1, NM_001323988.1 and 17 more transcripts); c.1504A>G, p.Lys502Glu (NM_001323986.2); c.148A>G, p.Lys50Glu (NM_001324006.1, NM_001324007.1, NM_001324008.1 and 2 more transcripts); c.394A>G, p.Lys132Glu (NM_001324011.1); c.244A>G, p.Lys82Glu (NM_001324012.1, NM_001324013.1); short protein forms K132E, K163E, K410E, K430E, K502E, K50E, K533E, K82E.
Identifiers: ClinVar variation 1700595 (VCV001700595.8), dbSNP rs2150288180, ClinGen allele CA361131790.
Genomic context (GRCh38, chr5:138,924,560, plus strand): 5'-TGTTCTCCAGAGAATCACATTTTGGAAGATGTGAACAAATGTGTCATTGCTCTCCAAGAG[A>G]AGGATGTGGATGGCCTGGACCGCACAGCTGGTGCAATTCGAGGCCGGGCAGCCCGGGTCA-3'
Protein context (NP_001894.2, residues 523-543): VNKCVIALQE[Lys533Glu]DVDGLDRTAG